The following is an entry in ClinVar:

ClinVar aggregate classification (germline): Uncertain significance (1 of 4 stars; one submission).

Submission:

Ambry Genetics
Classification: Uncertain significance. Last evaluated: 2022-04-19. Review status: criteria provided, single submitter. Criteria: Ambry Variant Classification Scheme 2023. Collection method: clinical testing. Allele origin: germline.
Comment: The p.R295G variant (also known as c.883C>G), located in coding exon 1 of the EGLN1 gene, results from a C to G substitution at nucleotide position 883. The arginine at codon 295 is replaced by glycine, an amino acid with dissimilar properties. This amino acid position is conserved. In addition, this alteration is predicted to be deleterious by in silico analysis. Since supporting evidence is limited at this time, the clinical significance of this alteration remains unclear.

NM_022051.3(EGLN1):c.883C>G (p.Arg295Gly)

Genes: EGLN1 (egl-9 family hypoxia inducible factor 1; minus strand), LOC129932769 (ATAC-STARR-seq lymphoblastoid active region 2730; plus strand). Cytogenetic location: 1q42.2.
Variant type: single nucleotide variant.
Coding change: c.883C>G on transcript NM_022051.3 (MANE Select); coding-DNA position 883, C replaced by G.
Protein change: p.Arg295Gly; replaces arginine 295 with glycine.
Molecular consequence: missense variant.
Genome position (GRCh38, 1-based): chr1:231,421,006, G>C on the plus strand (C>G on the coding strand, the complement: EGLN1 is on the minus strand). VCF-style: chr1-231421006-G-C. GRCh37 (hg19) VCF-style: chr1-231556752-G-C.
Other names: c.883C>G, p.Arg295Gly (NM_001377260.1, NM_001377261.1); short protein forms R295G.
Identifiers: ClinVar variation 1764836 (VCV001764836.3), dbSNP rs2527358122, ClinGen allele CA345234780.